The following is an entry in ClinVar:

NM_024741.3(ZNF408):c.1058A>G (p.Tyr353Cys)

Gene: ZNF408 (zinc finger protein 408; plus strand). Cytogenetic location: 11p11.2.
Variant type: single nucleotide variant.
Coding change: c.1058A>G on transcript NM_024741.3 (MANE Select); coding-DNA position 1058, A replaced by G.
Protein change: p.Tyr353Cys; replaces tyrosine 353 with cysteine.
Molecular consequence: missense variant.
Genome position (GRCh38, 1-based): chr11:46,704,758, A>G. VCF-style: chr11-46704758-A-G. GRCh37 (hg19) VCF-style: chr11-46726308-A-G.
Other names: c.1034A>G, p.Tyr345Cys (NM_001184751.2); short protein forms Y345C, Y353C.
Identifiers: ClinVar variation 1932973 (VCV001932973.5), dbSNP rs2502794038, ClinGen allele CA380254735.
Genomic context (GRCh38, chr11:46,704,758, plus strand): 5'-CTACACTCTCGCGGAGCCCTCCTGGCCCAGCAGGAAGCTCCCCAAAGCAGGGGCGACGGT[A>G]CCGGTGTGGAGAGTGTGGCAAGGCATTCCTACAGCTGTGCCACCTAAAGAAGCACGCATT-3'
Protein context (NP_079017.1, residues 343-363): AGSSPKQGRR[Tyr353Cys]RCGECGKAFL

ClinVar aggregate classification (germline): Uncertain significance (1 of 4 stars; one submission).

Allele frequency attached by ClinVar (database versions not stated): gnomAD exomes below 0.00001.
gnomAD v4.1: 3 of 1,595,928 alleles (0.00019%); highest among the groups gnomAD compares: Non-Finnish European, 0.00026%; no homozygotes.

Submission:

Labcorp Genetics (formerly Invitae), Labcorp
Classification: Uncertain significance. Last evaluated: 2024-01-19. Review status: criteria provided, single submitter. Criteria: Invitae Variant Classification Sherloc (09022015). Collection method: clinical testing. Allele origin: germline.
Comment: This sequence change replaces tyrosine, which is neutral and polar, with cysteine, which is neutral and slightly polar, at codon 353 of the ZNF408 protein (p.Tyr353Cys). This variant is not present in population databases (gnomAD no frequency). This variant has not been reported in the literature in individuals affected with ZNF408-related conditions. ClinVar contains an entry for this variant (Variation ID: 1932973). An algorithm developed to predict the effect of missense changes on protein structure and function (PolyPhen-2) suggests that this variant is likely to be disruptive. In summary, the available evidence is currently insufficient to determine the role of this variant in disease. Therefore, it has been classified as a Variant of Uncertain Significance.